The following is an entry in ClinVar:

NM_001854.4(COL11A1):c.1630-2A>T

Gene: COL11A1 (collagen type XI alpha 1 chain; minus strand). Cytogenetic location: 1p21.1.
Variant type: single nucleotide variant.
Coding change: c.1630-2A>T on transcript NM_001854.4 (MANE Select); the canonical splice acceptor site of the intron before coding-DNA position 1630, A replaced by T.
Molecular consequence: splice acceptor variant.
Genome position (GRCh38, 1-based): chr1:103,008,518, T>A on the plus strand (A>T on the coding strand, the complement: COL11A1 is on the minus strand). VCF-style: chr1-103008518-T-A. GRCh37 (hg19) VCF-style: chr1-103474074-T-A.
Other names: c.1513-2A>T (NM_001190709.2); c.1666-2A>T (NM_080629.3); c.1282-2A>T (NM_080630.4).
Identifiers: ClinVar variation 3361825 (VCV003361825.3).
Genomic context (GRCh38, chr1:103,008,518, plus strand): 5'-TTTACCTGAGGACCTGGATCACCACTCTCACCTTTGGCCCCAGATGAACCAGGCCCCCCC[T>A]ATAGAGAAAAAGTGAAGATATTTCACTTAATTTAGCAATTTCCTAACTACTTTTATCCTG-3'

ClinVar aggregate classification (germline): Pathogenic (1 of 4 stars; one submission).

Submission:

GeneDx
Classification: Pathogenic. Last evaluated: 2026-10-22. Review status: criteria provided, single submitter. Criteria: GeneDx Variant Classification Process June 2021. Collection method: clinical testing. Allele origin: germline.
Comment: Damages or destroys the splice acceptor site in intron 14, and is expected to cause abnormal gene splicing; if the splice outcome is exon skip, the loss of the encoded residues in the triple helical region is expected to disrupt normal protein folding and function (HGMD; PMID: 25240749); Not observed at significant frequency in large population cohorts (gnomAD); Has not been previously published as pathogenic or benign to our knowledge; Deletions involving coding exons of this gene are a known mechanism of disease (HGMD); This variant is associated with the following publications: (PMID: 15286167, 25240749, 10573014)